The following is an entry in ClinVar:

NM_002693.3(POLG):c.624C>A (p.Cys208Ter)

Genes: POLG (DNA polymerase gamma, catalytic subunit; minus strand), POLGARF (POLG alternative reading frame; minus strand). Cytogenetic location: 15q26.1.
Variant type: single nucleotide variant.
Coding change: c.624C>A on transcript NM_002693.3 (MANE Select); coding-DNA position 624, C replaced by A.
Protein change: p.Cys208Ter; replaces cysteine 208 with a stop codon.
Molecular consequence: nonsense.
Genome position (GRCh38, 1-based): chr15:89,333,131, G>T on the plus strand (C>A on the coding strand, the complement: POLG is on the minus strand). VCF-style: chr15-89333131-G-T. GRCh37 (hg19) VCF-style: chr15-89876362-G-T.
Other names: c.624C>A, p.Cys208Ter (NM_001126131.2); c.624C>A (NM_002693.2); short protein forms C208*.
Identifiers: ClinVar variation 1412024 (VCV001412024.7), dbSNP rs1159974816, ClinGen allele CA393770323.
Genomic context (GRCh38, chr15:89,333,131, plus strand): 5'-TGTCCCCAACCCTGCCCCTACTTACCAGGCCGAGGGGGATATGGCCACCGCCAATGTGGG[G>T]CAAGTTCCCTCTGCCAAGCAGACCTCCACGTCGAACACCAGGGCCCGCTCCTCGGGGATG-3'

ClinVar aggregate classification (germline): Pathogenic/Likely pathogenic. Review status: criteria provided, multiple submitters, no conflicts (2 of 4 stars). 2 submissions from 2 submitters: Pathogenic (1); Likely pathogenic (1). Last evaluated 2023-12-21.

Conditions:
Progressive sclerosing poliodystrophy (MTDPS4A). Also called: ALPERS PROGRESSIVE INFANTILE POLIODYSTROPHY; NEURONAL DEGENERATION OF CHILDHOOD WITH LIVER DISEASE, PROGRESSIVE; Alpers Syndrome; ALPERS DIFFUSE DEGENERATION OF CEREBRAL GRAY MATTER WITH HEPATIC CIRRHOSIS; Alpers-Huttenlocher Syndrome; Mitochondrial DNA depletion syndrome 4A (Alpers type). Identifiers: Orphanet 726, MedGen C0205710, MONDO:0008758, OMIM 203700.
Sensory ataxic neuropathy, dysarthria, and ophthalmoparesis (SANDO). Also called: Sensory ataxic neuropathy-dysarthria-ophthalmoparesis syndrome; Epilepsy, progressive myoclonic, type 5; SENSORY ATAXIC NEUROPATHY WITH MITOCHONDRIAL DNA DELETIONS, AUTOSOMAL RECESSIVE; Ataxia Neuropathy Spectrum (ANS). Identifiers: Orphanet 70595, MedGen C1843851, MONDO:0011835, OMIM 607459.

gnomAD v4.1: 7 of 1,527,474 alleles (0.00046%); highest among the groups gnomAD compares: Non-Finnish European, 0.00062%; no homozygotes.

Submissions (2):

Greenwood Genetic Center Diagnostic Laboratories, Greenwood Genetic Center
Classification: Likely pathogenic for Sensory ataxic neuropathy, dysarthria, and ophthalmoparesis. Last evaluated: 2023-12-21. Review status: criteria provided, single submitter. Criteria: ACMG Guidelines, 2015. Collection method: clinical testing. Allele origin: germline. Affected: yes.
Comment: PVS1, PM2

Labcorp Genetics (formerly Invitae), Labcorp
Classification: Pathogenic for Progressive sclerosing poliodystrophy. Last evaluated: 2021-08-31. Review status: criteria provided, single submitter. Criteria: Invitae Variant Classification Sherloc (09022015). Collection method: clinical testing. Allele origin: germline.
Comment: This sequence change creates a premature translational stop signal (p.Cys208*) in the POLG gene. It is expected to result in an absent or disrupted protein product. Loss-of-function variants in POLG are known to be pathogenic (PMID: 18546365). This variant is not present in population databases (ExAC no frequency). This variant has not been reported in the literature in individuals affected with POLG-related conditions. For these reasons, this variant has been classified as Pathogenic.

Literature cited by the submitters: PubMed 18546365 (cited by Labcorp Genetics (formerly Invitae), Labcorp).